The following is an entry in ClinVar:

ClinVar aggregate classification (germline): Uncertain significance (1 of 4 stars; one submission).

Conditions:
Tuberous sclerosis 2 (TSC2). Identifiers: Orphanet 805, MedGen C1860707, MONDO:0013199, OMIM 613254.

Submission:

Labcorp Genetics (formerly Invitae), Labcorp
Classification: Uncertain significance for Tuberous sclerosis 2. Last evaluated: 2022-09-07. Review status: criteria provided, single submitter. Criteria: Invitae Variant Classification Sherloc (09022015). Collection method: clinical testing. Allele origin: germline.
Comment: ClinVar contains an entry for this variant (Variation ID: 858268). Algorithms developed to predict the effect of sequence changes on RNA splicing suggest that this variant may create or strengthen a splice site. In summary, the available evidence is currently insufficient to determine the role of this variant in disease. Therefore, it has been classified as a Variant of Uncertain Significance. This variant has not been reported in the literature in individuals affected with TSC2-related conditions. This sequence change falls in intron 41 of the TSC2 gene. It does not directly change the encoded amino acid sequence of the TSC2 protein. This variant is not present in population databases (gnomAD no frequency).

NM_000548.5(TSC2):c.5259+7A>T

Gene: TSC2 (TSC complex subunit 2; plus strand). Cytogenetic location: 16p13.3.
Variant type: single nucleotide variant.
Coding change: c.5259+7A>T on transcript NM_000548.5 (MANE Select); 7 bases into the intron after coding-DNA position 5259, A replaced by T.
Molecular consequence: intron variant.
Genome position (GRCh38, 1-based): chr16:2,088,332, A>T. VCF-style: chr16-2088332-A-T. GRCh37 (hg19) VCF-style: chr16-2138333-A-T.
Other names: c.5190+7A>T (NM_001114382.3); c.5130+7A>T (NM_021055.3); c.5118+7A>T (NM_001370405.1); c.5061+7A>T (NM_001363528.2); c.5127+7A>T (NM_001370404.1); c.5058+7A>T (NM_001077183.3); c.4950+7A>T (NM_001318827.2); c.4527+7A>T (NM_001318831.2); and 2 more.
Identifiers: ClinVar variation 858268 (VCV000858268.9), dbSNP rs1060504122, ClinGen allele CA916081802.